The following is an entry in ClinVar:

NC_000008.10:g.(?_48686734)_(49833824_?)dup

Genes: CLXN (calaxin; minus strand), MCM4 (minichromosome maintenance complex component 4; plus strand), PRKDC (protein kinase, DNA-activated, catalytic subunit; minus strand), SNAI2 (snail family transcriptional repressor 2; minus strand), UBE2V2 (ubiquitin conjugating enzyme E2 V2; plus strand). Cytogenetic location: 8q11.21.
Variant type: Duplication.
Identifiers: ClinVar variation 1448870 (VCV001448870.1).

ClinVar aggregate classification (germline): Uncertain significance (1 of 4 stars; one submission).

Conditions:
Severe combined immunodeficiency due to DNA-PKcs deficiency. Also called: IMMUNODEFICIENCY 26 WITH NEUROLOGIC ABNORMALITIES; Immunodeficiency 26 with or without neurologic abnormalities. Identifiers: Orphanet 317425, MedGen C4014833, MONDO:0014423, OMIM 615966.

Submission:

Labcorp Genetics (formerly Invitae), Labcorp
Classification: Uncertain significance for Severe combined immunodeficiency due to DNA-PKcs deficiency. Last evaluated: 2021-08-04. Review status: criteria provided, single submitter. Criteria: Invitae Variant Classification Sherloc (09022015). Collection method: clinical testing. Allele origin: germline.
Comment: This variant results in a copy number gain of the genomic region encompassing the full coding sequence of the PRKDC gene. The boundaries of this event are unknown as they extend beyond the assayed region for this gene and therefore may encompass additional genes. As the precise location of this event is unknown, it may be in tandem or it may be located elsewhere in the genome. This variant has not been reported in the literature in individuals with PRKDC-related conditions. In summary, the available evidence is currently insufficient to determine the role of this variant in disease. Therefore, it has been classified as a Variant of Uncertain Significance.